The following is an entry in ClinVar:

ClinVar aggregate classification (germline): Benign/Likely benign. Review status: criteria provided, multiple submitters, no conflicts (2 of 4 stars). 3 submissions from 3 submitters: Benign (1); Likely benign (2). Last evaluated 2024-06-25.

Conditions:
Hereditary cancer-predisposing syndrome. Also called: Neoplastic Syndromes, Hereditary; Tumor predisposition; Hereditary Cancer Syndrome; Hereditary neoplastic syndrome. Identifiers: Orphanet 140162, MedGen C0027672, MeSH D009386, MONDO:0015356.
Familial adenomatous polyposis 1 (FAP1). Also called: FAMILIAL ADENOMATOUS POLYPOSIS 1, ATTENUATED; POLYPOSIS, ADENOMATOUS INTESTINAL. Identifiers: MedGen C2713442, MONDO:0021056, OMIM 175100. Disease mechanism: loss of function.

gnomAD v4.1: 1 of 1,613,238 alleles (0.000062%); highest among the groups gnomAD compares: Non-Finnish European, 0.000085%; no homozygotes.

Submissions (3):

Labcorp Genetics (formerly Invitae), Labcorp
Classification: Likely benign for Familial adenomatous polyposis 1. Last evaluated: 2024-06-25. Review status: criteria provided, single submitter. Criteria: Invitae Variant Classification Sherloc (09022015). Collection method: clinical testing. Allele origin: germline.

Myriad Genetics, Inc.
Classification: Benign for Familial adenomatous polyposis 1. Last evaluated: 2024-04-10. Review status: criteria provided, single submitter. Criteria: Myriad Autosomal Dominant, Autosomal Recessive and X-Linked Classification Criteria (2023). Collection method: clinical testing. Allele origin: unknown.
Comment: This variant is considered benign. This variant is a silent/synonymous amino acid change and it is not expected to impact splicing.

Ambry Genetics
Classification: Likely benign for Hereditary cancer-predisposing syndrome. Last evaluated: 2016-10-12. Review status: criteria provided, single submitter. Criteria: Ambry Variant Classification Scheme 2023. Collection method: clinical testing. Allele origin: germline.

NM_000038.6(APC):c.7794C>T (p.Thr2598=)

Gene: APC (APC regulator of Wnt signaling pathway; plus strand). Cytogenetic location: 5q22.2.
Variant type: single nucleotide variant.
Coding change: c.7794C>T on transcript NM_000038.6 (MANE Select); coding-DNA position 7794, C replaced by T.
Protein change: p.Thr2598=; no amino-acid change (threonine 2598 retained).
Molecular consequence: synonymous variant.
Genome position (GRCh38, 1-based): chr5:112,843,388, C>T. VCF-style: chr5-112843388-C-T. GRCh37 (hg19) VCF-style: chr5-112179085-C-T.
Other names: c.7794C>T, p.Thr2598= (NM_001127510.3, NM_001354895.2); c.7740C>T, p.Thr2580= (NM_001127511.3); c.7848C>T, p.Thr2616= (NM_001354896.2); c.7824C>T, p.Thr2608= (NM_001354897.2); c.7719C>T, p.Thr2573= (NM_001354898.2); c.7710C>T, p.Thr2570= (NM_001354899.2); c.7671C>T, p.Thr2557= (NM_001354900.2); c.7617C>T, p.Thr2539= (NM_001354901.2); and 5 more.
Identifiers: ClinVar variation 482415 (VCV000482415.8), dbSNP rs1554088662, ClinGen allele CA446211242.